The following is an entry in ClinVar:

NM_000218.3(KCNQ1):c.8C>G (p.Ala3Gly)

Gene: KCNQ1 (potassium voltage-gated channel subfamily Q member 1; plus strand). Cytogenetic location: 11p15.5.
Variant type: single nucleotide variant.
Coding change: c.8C>G on transcript NM_000218.3 (MANE Select); coding-DNA position 8, C replaced by G.
Protein change: p.Ala3Gly; replaces alanine 3 with glycine.
Molecular consequence: missense variant.
Genome position (GRCh38, 1-based): chr11:2,445,106, C>G. VCF-style: chr11-2445106-C-G. GRCh37 (hg19) VCF-style: chr11-2466336-C-G.
Other names: p.A3G:GCG>GGG; short protein forms A3G.
Identifiers: ClinVar variation 200866 (VCV000200866.3), dbSNP rs794728543, ClinGen allele CA008561.
Genomic context (GRCh38, chr11:2,445,106, plus strand): 5'-TGCAGCTCCCGGTGCCGCCGCTCGGGCCGGCCCCCCGGCAGGCCCTCCTCGTTATGGCCG[C>G]GGCCTCCTCCCCGCCCAGGGCCGAGAGGAAGCGCTGGGGTTGGGGCCGCCTGCCAGGCGC-3'
Protein context (NP_000209.2, residues 1-13): MA[Ala3Gly]ASSPPRAERK

ClinVar aggregate classification (germline): Uncertain significance (1 of 4 stars; one submission).

Allele frequency attached by ClinVar (database versions not stated): gnomAD exomes below 0.00001.
gnomAD v4.1: 1 of 1,090,190 alleles (0.000092%); highest among the groups gnomAD compares: Admixed American, 0.0052%; no homozygotes.

Submission:

GeneDx
Classification: Uncertain significance. Last evaluated: 2019-12-31. Review status: criteria provided, single submitter. Criteria: GeneDx Variant Classification Process June 2021. Collection method: clinical testing. Allele origin: germline. Affected: yes.
Comment: In silico analysis, which includes protein predictors and evolutionary conservation, supports that this variant does not alter protein structure/function; Has not been previously published as pathogenic or benign to our knowledge